The following is an entry in ClinVar:

NM_020247.5(COQ8A):c.1645G>A (p.Gly549Ser)

Gene: COQ8A (coenzyme Q8A; plus strand). Cytogenetic location: 1q42.13.
Variant type: single nucleotide variant.
Coding change: c.1645G>A on transcript NM_020247.5 (MANE Select); coding-DNA position 1645, G replaced by A.
Protein change: p.Gly549Ser; replaces glycine 549 with serine.
Molecular consequence: missense variant.
Genome position (GRCh38, 1-based): chr1:226,985,326, G>A. VCF-style: chr1-226985326-G-A. GRCh37 (hg19) VCF-style: chr1-227173027-G-A.
Other names: short protein forms G549S.
Identifiers: ClinVar variation 3646 (VCV000003646.9), dbSNP rs119468009, ClinGen allele CA116411.

ClinVar aggregate classification (germline): Uncertain significance. Review status: criteria provided, multiple submitters, no conflicts (2 of 4 stars). 5 submissions from 5 submitters: Uncertain significance (3). 2 of the submissions do not count toward it. Last evaluated 2025-10-30.

Conditions:
Autosomal recessive ataxia due to ubiquinone deficiency. Also called: Coenzyme Q10 deficiency, primary, 4; SPINOCEREBELLAR ATAXIA, AUTOSOMAL RECESSIVE 9. Identifiers: Orphanet 139485, MedGen C2677589, MONDO:0012784, OMIM 612016.

Allele frequency attached by ClinVar (database versions not stated): ExAC 0.00016; gnomAD 0.00006; TOPMed 0.00009.
gnomAD v4.1: 134 of 1,613,532 alleles (0.0083%); highest among the groups gnomAD compares: Middle Eastern, 0.016%; no homozygotes.

Submissions (5):

Athena Diagnostics
Classification: Uncertain significance. Last evaluated: 2025-10-30. Review status: criteria provided, single submitter. Criteria: Athena Diagnostics Criteria. Collection method: clinical testing. Allele origin: unknown.
Comment: Available data are insufficient to determine the clinical significance of the variant at this time. The frequency of this variant in the general population is uninformative in assessment of its pathogenicity. Polyphen and MutationTaster predict this amino acid change may be damaging to the protein.

GeneDx
Classification: Uncertain significance. Last evaluated: 2023-06-21. Review status: criteria provided, single submitter. Criteria: GeneDx Variant Classification Process June 2021. Collection method: clinical testing. Allele origin: germline. Affected: yes.
Comment: Reported with a second variant in the COQ8A gene in an individual with cerebellar ataxia and a mild decrease in CoQ10 levels in lyphoblasts (Lagier-Tourenne C et al. 2008); In silico analysis supports that this missense variant has a deleterious effect on protein structure/function; This variant is associated with the following publications: (PMID: 19440741, 32337771, 18319074)

Labcorp Genetics (formerly Invitae), Labcorp
Classification: Uncertain significance. Last evaluated: 2022-06-10. Review status: criteria provided, single submitter. Criteria: Invitae Variant Classification Sherloc (09022015). Collection method: clinical testing. Allele origin: germline.
Comment: This sequence change replaces glycine, which is neutral and non-polar, with serine, which is neutral and polar, at codon 549 of the COQ8A protein (p.Gly549Ser). This variant is present in population databases (rs119468009, gnomAD 0.02%). This missense change has been observed in individual(s) with clinical features of Coenzyme Q10 deficiency (PMID: 18319074). ClinVar contains an entry for this variant (Variation ID: 3646). Advanced modeling of protein sequence and biophysical properties (such as structural, functional, and spatial information, amino acid conservation, physicochemical variation, residue mobility, and thermodynamic stability) performed at Invitae indicates that this missense variant is expected to disrupt COQ8A protein function. Experimental studies have shown that this missense change affects COQ8A function (PMID: 18319074). In summary, the available evidence is currently insufficient to determine the role of this variant in disease. Therefore, it has been classified as a Variant of Uncertain Significance.

OMIM
Classification: Pathogenic for COENZYME Q10 DEFICIENCY, PRIMARY, 4. Last evaluated: 2008-03-01. Review status: no assertion criteria provided. Collection method: literature only. Allele origin: germline. Not counted in ClinVar's aggregate classification.

GeneReviews
No classification provided. Condition: Autosomal recessive ataxia due to ubiquinone deficiency. Review status: no classification provided. Collection method: literature only. Allele origin: germline. Not counted in ClinVar's aggregate classification.

Literature cited by the submitters: PubMed 18319074 (cited by 3 submitters); PubMed 32337771 (cited by Athena Diagnostics); PubMed 19440741 (cited by Athena Diagnostics); NCBI Bookshelf NBK410087 (cited by GeneReviews).